The following is an entry in ClinVar:

NM_032539.5(SLITRK2):c.630G>T (p.Glu210Asp)

Gene: SLITRK2 (SLIT and NTRK like family member 2; plus strand). Cytogenetic location: Xq27.3.
Variant type: single nucleotide variant.
Coding change: c.630G>T on transcript NM_032539.5 (MANE Select); coding-DNA position 630, G replaced by T.
Protein change: p.Glu210Asp; replaces glutamic acid 210 with aspartic acid.
Molecular consequence: missense variant.
Genome position (GRCh38, 1-based): chrX:145,823,055, G>T. VCF-style: chrX-145823055-G-T. GRCh37 (hg19) VCF-style: chrX-144904573-G-T.
Other names: c.630G>T, p.Glu210Asp (NM_001144003.3, NM_001144004.3, NM_001144005.3 and 4 more transcripts); short protein forms E210D.
Identifiers: ClinVar variation 3236625 (VCV003236625.1), dbSNP rs781808263, ClinGen allele CA414501240.

ClinVar aggregate classification (germline): Uncertain significance (1 of 4 stars; one submission).

Conditions:
Intellectual developmental disorder, X-linked 111 (XLID111). Identifiers: MedGen C5829568, MONDO:0957203, OMIM 301107.

Submission:

Clinical Genomics Laboratory, Washington University in St. Louis
Classification: Uncertain significance for Intellectual developmental disorder, X-linked 111. Last evaluated: 2024-04-23. Review status: criteria provided, single submitter. Criteria: ACMG Guidelines, 2015. Collection method: clinical testing. Allele origin: germline.
Comment: The SLITRK2 c.630G>T (p.Glu210Asp) variant, to our knowledge, has not been reported in the medical literature and is absent from the general population (gnomAD v.2.1.1), indicating it is not a common variant. The amino acid at this position is predicted to be located in a beta sheet in the LRR domain (AlphaFold). Computational predictors uncertain as to the impact of this variant on SLITRK2 function. Due to limited information, and based on ACMG/AMP guidelines for variant interpretation (Richards S et al., PMID: 25741868), the clinical significance of this variant is uncertain at this time.